The following is an entry in ClinVar:

NM_170606.3(KMT2C):c.740-5T>C

Gene: KMT2C (lysine methyltransferase 2C; minus strand). Cytogenetic location: 7q36.1.
Variant type: single nucleotide variant.
Coding change: c.740-5T>C on transcript NM_170606.3 (MANE Select); 5 bases into the intron before coding-DNA position 740, T replaced by C.
Molecular consequence: intron variant.
Genome position (GRCh38, 1-based): chr7:152,310,080, A>G on the plus strand (T>C on the coding strand, the complement: KMT2C is on the minus strand). VCF-style: chr7-152310080-A-G. GRCh37 (hg19) VCF-style: chr7-152007165-A-G.
Identifiers: ClinVar variation 2658243 (VCV002658243.24), dbSNP rs376459513, ClinGen allele CA4581637.
Genomic context (GRCh38, chr7:152,310,080, plus strand): 5'-CATCTGGCATACTCCTAGTGACCACTCCACACAACGGTGATGAGCCCAACAAGTGCCTAA[A>G]ATGGGAAAAATGAAAAGGAGCAAATGAGCAAACATTAAAAAAATTAAAGCTAATAAATAA-3'

ClinVar aggregate classification (germline): Likely benign (1 of 4 stars; one submission).

Allele frequency attached by ClinVar (database versions not stated): TOPMed 0.00002; ExAC 0.00005; gnomAD 0.00005; gnomAD exomes 0.00007; ESP Exome Variant Server 0.00015.
gnomAD v4.1: 116 of 1,582,626 alleles (0.0073%); highest among the groups gnomAD compares: Non-Finnish European, 0.009%; no homozygotes.

Submission:

CeGaT Center for Human Genetics Tuebingen
Classification: Likely benign. Last evaluated: 2022-12-01. Review status: criteria provided, single submitter. Criteria: CeGaT Center For Human Genetics Tuebingen Variant Classification Criteria Version 2. Collection method: clinical testing. Allele origin: germline. Affected: yes. Observed: 1 variant allele.
Comment: KMT2C: BP4